The following is an entry in ClinVar:

ClinVar aggregate classification (germline): Likely pathogenic (1 of 4 stars; one submission).

Conditions:
Ataxia-telangiectasia syndrome (AT). Also called: Cerebello-oculocutaneous telangiectasia; Immunodeficiency with ataxia telangiectasia; Ataxia-telangiectasia, complementation group D; AT, COMPLEMENTATION GROUP C; Ataxia-telangiectasia, complementation group E; LOUIS-BAR SYNDROME. Identifiers: Orphanet 100, MedGen C0004135, MONDO:0008840, OMIM 208900.

Submission:

Labcorp Genetics (formerly Invitae), Labcorp
Classification: Likely pathogenic for Ataxia-telangiectasia syndrome. Last evaluated: 2017-02-20. Review status: criteria provided, single submitter. Criteria: Invitae Variant Classification Sherloc (09022015). Collection method: clinical testing. Allele origin: germline.
Comment: This sequence change deletes 1 nucleotide from the donor splice site in intron 2 of the ATM gene. It is expected to disrupt RNA splicing and likely results in an absent or disrupted protein product. In summary, donor and acceptor splice site variants are typically loss-of-function (PMID: 16199547), and loss-of-function variants in ATM are known to be pathogenic (PMID: 10817650, 19781682). However, without additional functional and/or genetic data, this variant has been classified as Likely Pathogenic. This variant has not been reported in the literature in individuals with a ATM-related disease.

Literature cited by the submitters: PubMed 16199547; PubMed 10817650; PubMed 19781682.

NM_000051.4(ATM):c.72+2del

Gene: ATM (ATM serine/threonine kinase; plus strand). Cytogenetic location: 11q22.3.
Variant type: Deletion.
Coding change: c.72+2del on transcript NM_000051.4 (MANE Select); the canonical splice donor site of the intron after coding-DNA position 72, one base deleted (T; older notation c.72+2delT).
Molecular consequence: splice donor variant.
Genome position (GRCh38, 1-based): chr11:108,227,698, T deleted. VCF-style (leftmost placement, unchanged base first): chr11-108227697-GT-G. GRCh37 (hg19) VCF-style: chr11-108098424-GT-G.
Other names: c.72+2del (NM_001351834.2, NM_001351835.2, NM_001351836.2); c.72+2delT (NM_000051.3).
Identifiers: ClinVar variation 453665 (VCV000453665.9), dbSNP rs1555053972, ClinGen allele CA658656134.